The following is an entry in ClinVar:

NM_030662.4(MAP2K2):c.865G>A (p.Gly289Arg)

Gene: MAP2K2 (mitogen-activated protein kinase kinase 2; minus strand). Cytogenetic location: 19p13.3.
Variant type: single nucleotide variant.
Coding change: c.865G>A on transcript NM_030662.4 (MANE Select); coding-DNA position 865, G replaced by A.
Protein change: p.Gly289Arg; replaces glycine 289 with arginine.
Molecular consequence: missense variant.
Genome position (GRCh38, 1-based): chr19:4,099,255, C>T on the plus strand (G>A on the coding strand, the complement: MAP2K2 is on the minus strand). VCF-style: chr19-4099255-C-T. GRCh37 (hg19) VCF-style: chr19-4099253-C-T.
Other names: short protein forms G289R.
Identifiers: ClinVar variation 543969 (VCV000543969.7), dbSNP rs1555696725, ClinGen allele CA403385362.
Genomic context (GRCh38, chr19:4,099,255, plus strand): 5'-CCGTACCGCTGACGGGGCGCCCGGGGGGCCTCGGCCGAGGCGAGATGCTGTGAGGCTCTC[C>T]TTCTTCCCCGTCGACCACGGGCCGGCCAAAGATGGCCTCCAGCTCTTTGGCGTCGGGCGG-3'
Protein context (NP_109587.1, residues 279-299): FGRPVVDGEE[Gly289Arg]EPHSISPRPR

ClinVar aggregate classification (germline): Uncertain significance. Review status: criteria provided, multiple submitters, no conflicts (2 of 4 stars). 2 submissions from 2 submitters: Uncertain significance (2). Last evaluated 2023-05-01.

Conditions:
RASopathy. Also called: Noonan spectrum disorder; rasopathies. Identifiers: Orphanet 536391, MedGen C5555857, MONDO:0021060.
Cardiovascular phenotype. Identifiers: MedGen CN230736.

Allele frequency attached by ClinVar (database versions not stated): gnomAD exomes below 0.00001.
gnomAD v4.1: 1 of 1,605,944 alleles (0.000062%); highest among the groups gnomAD compares: Non-Finnish European, 0.000085%; no homozygotes.

Submissions (2):

Ambry Genetics
Classification: Uncertain significance for Cardiovascular phenotype. Last evaluated: 2023-05-01. Review status: criteria provided, single submitter. Criteria: Ambry Variant Classification Scheme 2023. Collection method: clinical testing. Allele origin: germline.
Comment: The p.G289R variant (also known as c.865G>A), located in coding exon 7 of the MAP2K2 gene, results from a G to A substitution at nucleotide position 865. The glycine at codon 289 is replaced by arginine, an amino acid with dissimilar properties. This amino acid position is conserved. In addition, this alteration is predicted to be tolerated by in silico analysis. Since supporting evidence is limited at this time, the clinical significance of this alteration remains unclear.

Labcorp Genetics (formerly Invitae), Labcorp
Classification: Uncertain significance for RASopathy. Last evaluated: 2023-03-14. Review status: criteria provided, single submitter. Criteria: Invitae Variant Classification Sherloc (09022015). Collection method: clinical testing. Allele origin: germline.
Comment: This variant is not present in population databases (gnomAD no frequency). This missense change has been observed in individual(s) with clinical features of MAP2K2-related conditions (Invitae). ClinVar contains an entry for this variant (Variation ID: 543969). Advanced modeling performed at Invitae incorporating data from internal and/or published experimental studies (Invitae) indicates that this missense variant is not expected to disrupt MAP2K2 function. In summary, the available evidence is currently insufficient to determine the role of this variant in disease. Therefore, it has been classified as a Variant of Uncertain Significance. This sequence change replaces glycine, which is neutral and non-polar, with arginine, which is basic and polar, at codon 289 of the MAP2K2 protein (p.Gly289Arg).